The following is an entry in ClinVar:

ClinVar aggregate classification (germline): Uncertain significance (1 of 4 stars; one submission).

Conditions:
Developmental and epileptic encephalopathy, 34 (DEE34). Also called: SLC12A5-Related Epilepsy of Infancy with Migrating Focal Seizures; Early infantile epileptic encephalopathy 34. Identifiers: Orphanet 293181, MedGen C4225257, MONDO:0014718, OMIM 616645.

Submission:

Labcorp Genetics (formerly Invitae), Labcorp
Classification: Uncertain significance for Developmental and epileptic encephalopathy, 34. Last evaluated: 2020-08-10. Review status: criteria provided, single submitter. Criteria: Invitae Variant Classification Sherloc (09022015). Collection method: clinical testing. Allele origin: germline.
Comment: In summary, the available evidence is currently insufficient to determine the role of this variant in disease. Therefore, it has been classified as a Variant of Uncertain Significance. Advanced modeling of protein sequence and biophysical properties (such as structural, functional, and spatial information, amino acid conservation, physicochemical variation, residue mobility, and thermodynamic stability) performed at Invitae indicates that this missense variant is not expected to disrupt SLC12A5 protein function. This variant has not been reported in the literature in individuals with SLC12A5-related conditions. This variant is not present in population databases (ExAC no frequency). This sequence change replaces glutamic acid with lysine at codon 342 of the SLC12A5 protein (p.Glu342Lys). The glutamic acid residue is moderately conserved and there is a small physicochemical difference between glutamic acid and lysine.

NM_020708.5(SLC12A5):c.1024G>A (p.Glu342Lys)

Gene: SLC12A5 (solute carrier family 12 member 5; plus strand). Cytogenetic location: 20q13.12.
Variant type: single nucleotide variant.
Coding change: c.1024G>A on transcript NM_020708.5 (MANE Select); coding-DNA position 1024, G replaced by A.
Protein change: p.Glu342Lys; replaces glutamic acid 342 with lysine.
Molecular consequence: missense variant.
Genome position (GRCh38, 1-based): chr20:46,041,498, G>A. VCF-style: chr20-46041498-G-A. GRCh37 (hg19) VCF-style: chr20-44670137-G-A.
Other names: c.1093G>A, p.Glu365Lys (NM_001134771.2); short protein forms E365K, E342K.
Identifiers: ClinVar variation 1044162 (VCV001044162.8), dbSNP rs2084547129, ClinGen allele CA409190527.
Genomic context (GRCh38, chr20:46,041,498, plus strand): 5'-TGCTCCTCTCGCTTCCTCAACGCCACCTGTGATGAATACTTCACCCGAAACAATGTCACA[G>A]AGATCCAGGGCATCCCTGGTGCTGCCAGTGGCCTCATCAAAGGTCTGCGGAGGGACAAGG-3'
Protein context (NP_065759.1, residues 332-352): DEYFTRNNVT[Glu342Lys]IQGIPGAASG